The following is an entry in ClinVar:

ClinVar aggregate classification (germline): Pathogenic/Likely pathogenic. Review status: criteria provided, multiple submitters, no conflicts (2 of 4 stars). 2 submissions from 2 submitters: Pathogenic (1); Likely pathogenic (1). Last evaluated 2025-09-12.

Conditions:
Developmental delay, impaired growth, dysmorphic facies, and axonal neuropathy. Identifiers: MedGen C5436781, MONDO:0030835, OMIM 619090.

gnomAD v4.1: 1 of 1,609,712 alleles (0.000062%); highest among the groups gnomAD compares: Middle Eastern, 0.017%; no homozygotes.

Submissions (2):

GeneDx
Classification: Pathogenic. Last evaluated: 2025-09-12. Review status: criteria provided, single submitter. Criteria: GeneDx Variant Classification Process June 2021. Collection method: clinical testing. Allele origin: germline.
Comment: In silico analysis supports that this missense variant has a deleterious effect on protein structure/function; Not observed at significant frequency in large population cohorts (gnomAD); Has not been previously published as pathogenic or benign germline variant to our knowledge; This variant is associated with the following publications: (PMID: 30093560)

Institute of Human Genetics, University of Leipzig Medical Center
Classification: Likely pathogenic for Developmental delay, impaired growth, dysmorphic facies, and axonal neuropathy. Last evaluated: 2020-09-10. Review status: criteria provided, single submitter. Criteria: ACMG Guidelines, 2015. Collection method: clinical testing. Allele origin: de novo. Affected: yes.
Comment: This variant was identified as de novo (maternity and paternity confirmed).

NM_001303256.3(MORC2):c.395G>A (p.Arg132His)

Gene: MORC2 (MORC family CW-type zinc finger 2; minus strand). Cytogenetic location: 22q12.2.
Variant type: single nucleotide variant.
Coding change: c.395G>A on transcript NM_001303256.3 (MANE Select); coding-DNA position 395, G replaced by A.
Protein change: p.Arg132His; replaces arginine 132 with histidine.
Molecular consequence: missense variant.
Genome position (GRCh38, 1-based): chr22:30,946,372, C>T on the plus strand (G>A on the coding strand, the complement: MORC2 is on the minus strand). VCF-style: chr22-30946372-C-T. GRCh37 (hg19) VCF-style: chr22-31342359-C-T.
Other names: c.395G>A, p.Arg132His (NM_001303257.2); c.209G>A, p.Arg70His (NM_014941.3); short protein forms R132H, R70H.
Identifiers: ClinVar variation 1285570 (VCV001285570.3), dbSNP rs1602496057, ClinGen allele CA411244765.